The following is an entry in ClinVar:

ClinVar aggregate classification (germline): Uncertain significance (1 of 4 stars; one submission).

Conditions:
Inborn genetic diseases. Identifiers: MedGen C0950123, MeSH D030342.

Submission:

Ambry Genetics
Classification: Uncertain significance for Inborn genetic diseases. Last evaluated: 2026-06-13. Review status: criteria provided, single submitter. Criteria: Ambry Variant Classification Scheme 2023. Collection method: clinical testing. Allele origin: germline.
Comment: The p.D550Y variant (also known as c.1648G>T), located in coding exon 11 of the ERCC6L2 gene, results from a G to T substitution at nucleotide position 1648. The aspartic acid at codon 550 is replaced by tyrosine, an amino acid with highly dissimilar properties. This amino acid position is conserved. In addition, this alteration is predicted to be deleterious by in silico analysis. Based on the available evidence, the clinical significance of this variant remains unclear.

NM_020207.7(ERCC6L2):c.1648G>T (p.Asp550Tyr)

Gene: ERCC6L2 (ERCC excision repair 6 like 2; plus strand). Cytogenetic location: 9q22.32.
Variant type: single nucleotide variant.
Coding change: c.1648G>T on transcript NM_020207.7 (MANE Select); coding-DNA position 1648, G replaced by T.
Protein change: p.Asp550Tyr; replaces aspartic acid 550 with tyrosine.
Molecular consequence: missense variant. On other transcripts: non-coding transcript variant (1).
Genome position (GRCh38, 1-based): chr9:95,928,761, G>T. VCF-style: chr9-95928761-G-T. GRCh37 (hg19) VCF-style: chr9-98691043-G-T.
Other names: c.1648G>T, p.Asp550Tyr (NM_001010895.4, NM_001375291.1, NM_001375292.1 and 2 more transcripts); short protein forms D550Y.
Identifiers: ClinVar variation 4870631 (VCV004870631.1).